The following is an entry in ClinVar:

ClinVar aggregate classification (germline): Uncertain significance. Review status: criteria provided, multiple submitters, no conflicts (2 of 4 stars). 3 submissions from 3 submitters: Uncertain significance (3). Last evaluated 2025-03-26.

Conditions:
SCN8A-related disorder.
Inborn genetic diseases. Identifiers: MedGen C0950123, MeSH D030342.
Early-infantile DEE. Also called: Early infantile epileptic encephalopathy; Ohtahara syndrome; Early infantile epileptic encephalopathy with suppression bursts. Identifiers: Orphanet 1934, MedGen C0393706, MONDO:0800491.

Allele frequency attached by ClinVar (database versions not stated): TOPMed below 0.00001; gnomAD 0.00001.
gnomAD v4.1: 1 of 1,613,308 alleles (0.000062%); highest among the groups gnomAD compares: Admixed American, 0.0017%; no homozygotes.

Submissions (3):

Ambry Genetics
Classification: Uncertain significance for Inborn genetic diseases. Last evaluated: 2025-03-26. Review status: criteria provided, single submitter. Criteria: Ambry Variant Classification Scheme 2023. Collection method: clinical testing. Allele origin: germline.

PreventionGenetics, part of Exact Sciences
Classification: Uncertain significance for SCN8A-related condition. Last evaluated: 2025-02-17. Review status: criteria provided, single submitter. Criteria: ACMG Guidelines, 2015. Collection method: clinical testing. Allele origin: germline.
Comment: The SCN8A c.520C>G variant is predicted to result in the amino acid substitution p.Leu174Val. To our knowledge, this variant has not been reported in the literature or in a large population database (gnomAD), indicating this variant is rare. At this time, the clinical significance of this variant is uncertain due to the absence of conclusive functional and genetic evidence.

Labcorp Genetics (formerly Invitae), Labcorp
Classification: Uncertain significance for Early-infantile DEE. Last evaluated: 2020-06-30. Review status: criteria provided, single submitter. Criteria: Invitae Variant Classification Sherloc (09022015). Collection method: clinical testing. Allele origin: germline.
Comment: In summary, the available evidence is currently insufficient to determine the role of this variant in disease. Therefore, it has been classified as a Variant of Uncertain Significance. Algorithms developed to predict the effect of sequence changes on RNA splicing suggest that this variant may create or strengthen a splice site, but this prediction has not been confirmed by published transcriptional studies. Algorithms developed to predict the effect of missense changes on protein structure and function output the following: SIFT: "Deleterious"; PolyPhen-2: "Benign"; Align-GVGD: "Class C0". The valine amino acid residue is found in multiple mammalian species, suggesting that this missense change does not adversely affect protein function. These predictions have not been confirmed by published functional studies and their clinical significance is uncertain. This variant has not been reported in the literature in individuals with SCN8A-related conditions. This variant is not present in population databases (ExAC no frequency). This sequence change replaces leucine with valine at codon 174 of the SCN8A protein (p.Leu174Val). The leucine residue is highly conserved and there is a small physicochemical difference between leucine and valine.

NM_001330260.2(SCN8A):c.520C>G (p.Leu174Val)

Gene: SCN8A (sodium voltage-gated channel alpha subunit 8; plus strand). Cytogenetic location: 12q13.13.
Variant type: single nucleotide variant.
Coding change: c.520C>G on transcript NM_001330260.2 (MANE Select); coding-DNA position 520, C replaced by G.
Protein change: p.Leu174Val; replaces leucine 174 with valine.
Molecular consequence: missense variant.
Genome position (GRCh38, 1-based): chr12:51,687,125, C>G. VCF-style: chr12-51687125-C-G. GRCh37 (hg19) VCF-style: chr12-52080909-C-G.
Other names: c.520C>G, p.Leu174Val (NM_001177984.3, NM_001369788.1, NM_014191.4); c.520C>G (NM_014191.3, NM_014191.2); short protein forms L174V.
Identifiers: ClinVar variation 998700 (VCV000998700.12), dbSNP rs1941432036, ClinGen allele CA385222186.